The following is an entry in ClinVar:

ClinVar aggregate classification (germline): Uncertain significance (1 of 4 stars; one submission).

gnomAD v4.1: 7 of 1,613,982 alleles (0.00043%); highest among the groups gnomAD compares: South Asian, 0.0011%; no homozygotes.

Submission:

GeneDx
Classification: Uncertain significance. Last evaluated: 2024-09-25. Review status: criteria provided, single submitter. Criteria: GeneDx Variant Classification Process June 2021. Collection method: clinical testing. Allele origin: germline. Affected: yes.
Comment: Not observed at significant frequency in large population cohorts (gnomAD); In silico analysis indicates that this missense variant does not alter protein structure/function; Has not been previously published as pathogenic or benign to our knowledge

NM_001024845.3(SLC6A9):c.222C>G (p.Ile74Met)

Gene: SLC6A9 (solute carrier family 6 member 9; minus strand). Cytogenetic location: 1p34.1.
Variant type: single nucleotide variant.
Coding change: c.222C>G on transcript NM_001024845.3 (MANE Select); coding-DNA position 222, C replaced by G.
Protein change: p.Ile74Met; replaces isoleucine 74 with methionine.
Molecular consequence: missense variant. On other transcripts: non-coding transcript variant (1), intron variant (3).
Genome position (GRCh38, 1-based): chr1:44,010,062, G>C on the plus strand (C>G on the coding strand, the complement: SLC6A9 is on the minus strand). VCF-style: chr1-44010062-G-C. GRCh37 (hg19) VCF-style: chr1-44475734-G-C.
Other names: c.234C>G, p.Ile78Met (NM_001261380.2); c.159C>G, p.Ile53Met (NM_001328627.1); c.222C>G, p.Ile74Met (NM_001328629.1); c.279C>G, p.Ile93Met (NM_006934.4); c.441C>G, p.Ile147Met (NM_201649.4); c.-14-1439C>G (NM_001328630.2, NM_001328626.2); c.125-1439C>G (NM_001328628.1); short protein forms I147M, I53M, I74M, I78M, I93M.
Identifiers: ClinVar variation 3774692 (VCV003774692.1).